The following is an entry in ClinVar:

ClinVar aggregate classification (germline): Benign/Likely benign. Review status: criteria provided, multiple submitters, no conflicts (2 of 4 stars). 10 submissions from 8 submitters: Benign (6); Likely benign (3). 1 of the submissions does not count toward it. Last evaluated 2026-06-01.

Conditions:
Familial Mediterranean fever (FMF). Also called: Periodic peritonitis; Benign paroxysmal peritonitis; POLYSEROSITIS, FAMILIAL PAROXYSMAL; POLYSEROSITIS, RECURRENT. Identifiers: Orphanet 342, MedGen C0031069, MONDO:0018088, OMIM 249100. Disease mechanism: gain of function.
Familial Mediterranean fever, autosomal dominant. Also called: Dominant Familial Mediterranean Fever; FMF, AUTOSOMAL DOMINANT. Identifiers: Orphanet 342, MedGen C1851347, MONDO:0007601, OMIM 134610.
Acute febrile neutrophilic dermatosis (AFND). Also called: Sweet Syndrome; Gomm Button disease. Identifiers: Orphanet 3243, MedGen C0085077, MONDO:0011959, OMIM 608068.

Allele frequency attached by ClinVar (database versions not stated): gnomAD exomes 0.00248; ExAC 0.00311; TOPMed 0.00894; ESP Exome Variant Server 0.00908; 1000 Genomes Project 0.01418; 1000 Genomes Project 30x 0.01577.
gnomAD v4.1: 2,434 of 1,612,596 alleles (0.15%); highest among the groups gnomAD compares: African/African-American, 2.6%; 33 homozygotes.

Submissions (10):

CeGaT Center for Human Genetics Tuebingen
Classification: Benign. Last evaluated: 2026-06-01. Review status: criteria provided, single submitter. Criteria: CeGaT Center For Human Genetics Tuebingen Variant Classification Criteria Version 2. Collection method: clinical testing. Allele origin: germline. Affected: yes. Observed: 2 variant alleles.
Comment: MEFV: BS1, BS2

Labcorp Genetics (formerly Invitae), Labcorp
Classification: Benign for Familial Mediterranean fever. Last evaluated: 2026-02-02. Review status: criteria provided, single submitter. Criteria: Invitae Variant Classification Sherloc (09022015). Collection method: clinical testing. Allele origin: germline.

ARUP Laboratories, Molecular Genetics and Genomics, ARUP Laboratories
Classification: Benign. Last evaluated: 2025-04-30. Review status: criteria provided, single submitter. Criteria: ARUP Molecular Germline Variant Investigation Process 2024. Collection method: clinical testing. Allele origin: germline.

Genome-Nilou Lab
Classification: Likely benign for Familial Mediterranean fever. Last evaluated: 2023-02-08. Review status: criteria provided, single submitter. Criteria: ACMG Guidelines, 2015. Collection method: clinical testing. Allele origin: germline.

Genome-Nilou Lab
Classification: Benign for Familial Mediterranean fever, autosomal dominant. Last evaluated: 2023-02-08. Review status: criteria provided, single submitter. Criteria: ACMG Guidelines, 2015. Collection method: clinical testing. Allele origin: germline.

Genome-Nilou Lab
Classification: Benign for Acute febrile neutrophilic dermatosis. Last evaluated: 2023-02-08. Review status: criteria provided, single submitter. Criteria: ACMG Guidelines, 2015. Collection method: clinical testing. Allele origin: germline.

GeneDx
Classification: Benign. Last evaluated: 2019-01-16. Review status: criteria provided, single submitter. Criteria: GeneDx Variant Classification Process June 2021. Collection method: clinical testing. Allele origin: germline. Affected: yes.

Center for Pediatric Genomic Medicine, Children's Mercy Hospital and Clinics
Classification: Likely benign. Last evaluated: 2017-08-28. Review status: criteria provided, single submitter. Criteria: ACMG Guidelines, 2015. Collection method: clinical testing. Allele origin: germline.

Women's Health and Genetics/Laboratory Corporation of America, LabCorp
Classification: Likely benign. Last evaluated: 2016-09-21. Review status: criteria provided, single submitter. Criteria: LabCorp Variant Classification Summary - May 2015. Collection method: clinical testing. Allele origin: germline.
Comment: Variant summary: The MEFV c.1587+18C>T variant involves the alteration of a non-conserved intronic nucleotide. One in silico tool predicts a benign outcome for this variant. 5/5 splice prediction tools predict no significant impact on normal splicing. However, these predictions have yet to be confirmed by functional studies. This variant was found in 375/120722 control chromosomes (5 homozygotes), predominantly observed in the African subpopulation at a frequency of 0.0311653 (322/10332). This frequency is slightly above the estimated maximal expected allele frequency of a pathogenic MEFV variant (0.0216506), suggesting this is likely a benign polymorphism found primarily in the populations of African origin. The variant of interest has not, to our knowledge, been reported in affected individuals via publications and/or reputable databases/clinical diagnostic laboratories; nor evaluated for functional impact by in vivo/vitro studies. Based on high frequency in controls and in silico splicing predictions, this variant was classified as likely benign.

Natera, Inc.
Classification: Benign for Familial Mediterranean fever. Last evaluated: 2019-10-18. Review status: no assertion criteria provided. Collection method: clinical testing. Allele origin: germline. Not counted in ClinVar's aggregate classification.

NM_000243.3(MEFV):c.1587+18C>T

Gene: MEFV (MEFV innate immunity regulator, pyrin; minus strand). Cytogenetic location: 16p13.3.
Variant type: single nucleotide variant.
Coding change: c.1587+18C>T on transcript NM_000243.3 (MANE Select); 18 bases into the intron after coding-DNA position 1587, C replaced by T.
Molecular consequence: intron variant.
Genome position (GRCh38, 1-based): chr16:3,246,998, G>A on the plus strand (C>T on the coding strand, the complement: MEFV is on the minus strand). VCF-style: chr16-3246998-G-A. GRCh37 (hg19) VCF-style: chr16-3296998-G-A.
Other names: c.954+18C>T (NM_001198536.2).
Identifiers: ClinVar variation 445588 (VCV000445588.65), dbSNP rs11466030, ClinGen allele CA7860097.